The following is an entry in ClinVar:

ClinVar aggregate classification (germline): Pathogenic. Review status: criteria provided, multiple submitters, no conflicts (2 of 4 stars). 3 submissions from 3 submitters: Pathogenic (3). Last evaluated 2023-10-19.

Conditions:
Hereditary cancer-predisposing syndrome. Also called: Hereditary neoplastic syndrome; Neoplastic Syndromes, Hereditary; Tumor predisposition; Hereditary Cancer Syndrome. Identifiers: Orphanet 140162, MedGen C0027672, MeSH D009386, MONDO:0015356.
Lynch syndrome 5 (LYNCH5). Also called: Colorectal cancer, hereditary nonpolyposis, type 5; Hereditary non-polyposis colorectal cancer, type 5. Identifiers: Orphanet 144, MedGen C1833477, MONDO:0013710, OMIM 614350. Disease mechanism: loss of function.
Hereditary nonpolyposis colorectal neoplasms. Identifiers: MedGen C0009405, MeSH D003123.

Submissions (3):

Myriad Genetics, Inc.
Classification: Pathogenic for Lynch syndrome 5. Last evaluated: 2023-10-19. Review status: criteria provided, single submitter. Criteria: Myriad Autosomal Dominant, Autosomal Recessive and X-Linked Classification Criteria (2023). Collection method: clinical testing. Allele origin: unknown.
Comment: This variant is considered pathogenic. This variant creates a frameshift predicted to result in premature protein truncation.

Ambry Genetics
Classification: Pathogenic for Hereditary cancer-predisposing syndrome. Last evaluated: 2023-05-24. Review status: criteria provided, single submitter. Criteria: Ambry Variant Classification Scheme 2023. Collection method: clinical testing. Allele origin: germline.
Comment: The c.1613_1616delATCT pathogenic mutation, located in coding exon 4 of the MSH6 gene, results from a deletion of 4 nucleotides at nucleotide positions 1613 to 1616, causing a translational frameshift with a predicted alternate stop codon (p.Y538Ffs*32). This alteration is expected to result in loss of function by premature protein truncation or nonsense-mediated mRNA decay. As such, this alteration is interpreted as a disease-causing mutation.

Labcorp Genetics (formerly Invitae), Labcorp
Classification: Pathogenic for Hereditary nonpolyposis colorectal neoplasms. Last evaluated: 2022-06-23. Review status: criteria provided, single submitter. Criteria: Invitae Variant Classification Sherloc (09022015). Collection method: clinical testing. Allele origin: germline.
Comment: This variant has not been reported in the literature in individuals affected with MSH6-related conditions. This sequence change creates a premature translational stop signal (p.Tyr538Phefs*32) in the MSH6 gene. It is expected to result in an absent or disrupted protein product. Loss-of-function variants in MSH6 are known to be pathogenic (PMID: 18269114, 24362816). This variant is not present in population databases (gnomAD no frequency). ClinVar contains an entry for this variant (Variation ID: 940317). For these reasons, this variant has been classified as Pathogenic.

Literature cited by the submitters: PubMed 18269114 (cited by Labcorp Genetics (formerly Invitae), Labcorp); PubMed 24362816 (cited by Labcorp Genetics (formerly Invitae), Labcorp).

NM_000179.3(MSH6):c.1613_1616del (p.Tyr538fs)

Gene: MSH6 (mutS homolog 6; plus strand). Cytogenetic location: 2p16.3.
Variant type: Deletion.
Coding change: c.1613_1616del on transcript NM_000179.3 (MANE Select); coding-DNA positions 1613 to 1616, 4 bases deleted (ATCT; older notation c.1613_1616delATCT).
Protein change: p.Tyr538fs; shifts the reading frame from tyrosine 538.
Molecular consequence: frameshift variant.
Genome position (GRCh38, 1-based): chr2:47,799,596-47,799,599, ATCT deleted; deleting any 4 consecutive bases within chr2:47,799,595-47,799,599 gives the same sequence; the c. name uses the placement nearest the transcript's 3' end. VCF-style (leftmost placement, unchanged base first): chr2-47799594-GTATC-G. GRCh37 (hg19) VCF-style: chr2-48026733-GTATC-G.
Other names: c.1613_1616delATCT (NM_000179.2); c.1223_1226del, p.Tyr408fs (NM_001281492.2); c.707_710del, p.Tyr236fs (NM_001281493.2, NM_001281494.2); short protein forms Y538fs, Y236fs, Y408fs.
Identifiers: ClinVar variation 940317 (VCV000940317.12), dbSNP rs1669352196, ClinGen allele CA891841778.